The following is an entry in ClinVar:

ClinVar aggregate classification (germline): Uncertain significance. Review status: criteria provided, multiple submitters, no conflicts (2 of 4 stars). 2 submissions from 2 submitters: Uncertain significance (2). Last evaluated 2024-07-18.

Allele frequency attached by ClinVar (database versions not stated): gnomAD exomes below 0.00001.
gnomAD v4.1: 1 of 1,613,052 alleles (0.000062%); highest among the groups gnomAD compares: South Asian, 0.0011%; no homozygotes.

Submissions (2):

GeneDx
Classification: Uncertain significance. Last evaluated: 2024-07-18. Review status: criteria provided, single submitter. Criteria: GeneDx Variant Classification Process June 2021. Collection method: clinical testing. Allele origin: germline. Affected: yes.
Comment: Not observed at significant frequency in large population cohorts (gnomAD); Missense variant in a gene in which most reported pathogenic variants are truncating/loss of function; Has not been previously published as pathogenic or benign to our knowledge

Revvity Omics, Revvity
Classification: Uncertain significance. Last evaluated: 2021-09-28. Review status: criteria provided, single submitter. Criteria: ACMG Guidelines, 2015. Collection method: clinical testing. Allele origin: germline.

NM_001267550.2(TTN):c.51301G>A (p.Glu17101Lys)

Genes: TTN (titin; minus strand), TTN-AS1 (TTN antisense RNA 1; plus strand). Cytogenetic location: 2q31.2.
Variant type: single nucleotide variant.
Coding change: c.51301G>A on transcript NM_001267550.2 (MANE Select); coding-DNA position 51301, G replaced by A.
Protein change: p.Glu17101Lys; replaces glutamic acid 17101 with lysine.
Molecular consequence: missense variant.
Genome position (GRCh38, 1-based): chr2:178,610,225, C>T on the plus strand (G>A on the coding strand, the complement: TTN is on the minus strand). VCF-style: chr2-178610225-C-T. GRCh37 (hg19) VCF-style: chr2-179474952-C-T.
Other names: c.46378G>A, p.Glu15460Lys (NM_001256850.1); c.24106G>A, p.Glu8036Lys (NM_003319.4); c.43597G>A, p.Glu14533Lys (NM_133378.4); c.24481G>A, p.Glu8161Lys (NM_133432.3); c.24682G>A, p.Glu8228Lys (NM_133437.4); short protein forms E14533K, E15460K, E17101K, E8036K, E8161K, E8228K.
Identifiers: ClinVar variation 2438341 (VCV002438341.4), dbSNP rs2470430082, ClinGen allele CA349587060.